The following is an entry in ClinVar:

NM_001046.3(SLC12A2):c.812C>G (p.Ala271Gly)

Gene: SLC12A2 (solute carrier family 12 member 2; plus strand). Cytogenetic location: 5q23.3.
Variant type: single nucleotide variant.
Coding change: c.812C>G on transcript NM_001046.3 (MANE Select); coding-DNA position 812, C replaced by G.
Protein change: p.Ala271Gly; replaces alanine 271 with glycine.
Molecular consequence: missense variant. On other transcripts: non-coding transcript variant (1).
Genome position (GRCh38, 1-based): chr5:128,112,869, C>G. VCF-style: chr5-128112869-C-G. GRCh37 (hg19) VCF-style: chr5-127448561-C-G.
Other names: c.812C>G, p.Ala271Gly (NM_001256461.2); short protein forms A271G.
Identifiers: ClinVar variation 4780796 (VCV004780796.1).

ClinVar aggregate classification (germline): Uncertain significance (1 of 4 stars; one submission).

Submission:

Labcorp Genetics (formerly Invitae), Labcorp
Classification: Uncertain significance. Last evaluated: 2025-02-20. Review status: criteria provided, single submitter. Criteria: Invitae Variant Classification Sherloc (09022015). Collection method: clinical testing. Allele origin: germline.
Comment: This sequence change replaces alanine, which is neutral and non-polar, with glycine, which is neutral and non-polar, at codon 271 of the SLC12A2 protein (p.Ala271Gly). This variant is not present in population databases (gnomAD no frequency). This variant has not been reported in the literature in individuals affected with SLC12A2-related conditions. Invitae Evidence Modeling of protein sequence and biophysical properties (such as structural, functional, and spatial information, amino acid conservation, physicochemical variation, residue mobility, and thermodynamic stability) indicates that this missense variant is not expected to disrupt SLC12A2 protein function with a negative predictive value of 80%. In summary, the available evidence is currently insufficient to determine the role of this variant in disease. Therefore, it has been classified as a Variant of Uncertain Significance.